The following is an entry in ClinVar:

ClinVar aggregate classification (germline): Benign. Review status: criteria provided, multiple submitters, no conflicts (2 of 4 stars). 6 submissions from 6 submitters: Benign (4). 2 of the submissions do not count toward it. Last evaluated 2026-02-04.

Conditions:
Beta-D-mannosidosis (MANSB). Also called: LYSOSOMAL BETA-MANNOSIDASE DEFICIENCY; Beta-Mannosidosis; MANNOSIDOSIS, BETA A, LYSOSOMAL; BETA-MANNOSIDASE DEFICIENCY. Identifiers: Orphanet 118, MedGen C4048196, MONDO:0009562, OMIM 248510.
MANBA-related disorder. Also called: MANBA-related condition.

Allele frequency attached by ClinVar (database versions not stated): 1000 Genomes Project 0.01558; gnomAD 0.02371 and 0.02182; TOPMed 0.02507; gnomAD exomes 0.00539 and 0.00199; 1000 Genomes Project 30x 0.01921; ESP Exome Variant Server 0.02814; ExAC 0.00677.
gnomAD v4.1: 6,318 of 1,610,970 alleles (0.39%); highest among the groups gnomAD compares: African/African-American, 7.7%; 266 homozygotes.

Submissions (6):

Labcorp Genetics (formerly Invitae), Labcorp
Classification: Benign for Beta-D-mannosidosis. Last evaluated: 2026-02-04. Review status: criteria provided, single submitter. Criteria: Invitae Variant Classification Sherloc (09022015). Collection method: clinical testing. Allele origin: germline.

GeneDx
Classification: Benign. Last evaluated: 2020-01-12. Review status: criteria provided, single submitter. Criteria: GeneDx Variant Classification Process June 2021. Collection method: clinical testing. Allele origin: germline. Affected: yes.

Illumina Laboratory Services, Illumina
Classification: Benign for Beta-D-mannosidosis. Last evaluated: 2018-01-12. Review status: criteria provided, single submitter. Criteria: ICSL Variant Classification Criteria 13 December 2019. Collection method: clinical testing. Allele origin: germline.
Comment: This variant was observed in the ICSL laboratory as part of a predisposition screen in an ostensibly healthy population. It had not been previously curated by ICSL or reported in the Human Gene Mutation Database (HGMD: prior to June 1st, 2018), and was therefore a candidate for classification through an automated scoring system. Utilizing variant allele frequency, disease prevalence and penetrance estimates, and inheritance mode, an automated score was calculated to assess if this variant is too frequent to cause the disease. Based on the score and internal cut-off values, a variant classified as benign is not then subjected to further curation. The score for this variant resulted in a classification of benign for this disease.

Breakthrough Genomics
Classification: Benign. Review status: criteria provided, single submitter. Criteria: ACMG Guidelines, 2015. Collection method: not provided. Allele origin: germline. Inheritance: Autosomal recessive inheritance. Affected: yes.

PreventionGenetics, part of Exact Sciences
Classification: Benign for MANBA-related condition. Last evaluated: 2019-07-01. Review status: no assertion criteria provided. Collection method: clinical testing. Allele origin: germline. Not counted in ClinVar's aggregate classification.
Comment: This variant is classified as benign based on ACMG/AMP sequence variant interpretation guidelines (Richards et al. 2015 PMID: 25741868, with internal and published modifications).

Mayo Clinic Laboratories, Mayo Clinic
Classification: Benign. Last evaluated: 2017-08-30. Review status: no assertion criteria provided. Collection method: clinical testing. Allele origin: unknown. Not counted in ClinVar's aggregate classification.

NM_005908.4(MANBA):c.1482G>T (p.Leu494=)

Gene: MANBA (mannosidase beta; minus strand). Cytogenetic location: 4q24.
Variant type: single nucleotide variant.
Coding change: c.1482G>T on transcript NM_005908.4 (MANE Select); coding-DNA position 1482, G replaced by T.
Protein change: p.Leu494=; no amino-acid change (leucine 494 retained).
Molecular consequence: synonymous variant.
Genome position (GRCh38, 1-based): chr4:102,664,688, C>A on the plus strand (G>T on the coding strand, the complement: MANBA is on the minus strand). VCF-style: chr4-102664688-C-A. GRCh37 (hg19) VCF-style: chr4-103585845-C-A.
Identifiers: ClinVar variation 347091 (VCV000347091.23), dbSNP rs74718667, ClinGen allele CA3026892.